The following is an entry in ClinVar:

NM_000263.4(NAGLU):c.1348C>G (p.Gln450Glu)

Gene: NAGLU (N-acetyl-alpha-glucosaminidase; plus strand). Cytogenetic location: 17q21.2.
Variant type: single nucleotide variant.
Coding change: c.1348C>G on transcript NM_000263.4 (MANE Select); coding-DNA position 1348, C replaced by G.
Protein change: p.Gln450Glu; replaces glutamine 450 with glutamic acid.
Molecular consequence: missense variant.
Genome position (GRCh38, 1-based): chr17:42,543,354, C>G. VCF-style: chr17-42543354-C-G. GRCh37 (hg19) VCF-style: chr17-40695372-C-G.
Other names: c.1348C>G (NM_000263.3); short protein forms Q450E.
Identifiers: ClinVar variation 2157082 (VCV002157082.4), dbSNP rs1213961819, ClinGen allele CA399601978.

ClinVar aggregate classification (germline): Uncertain significance. Review status: criteria provided, multiple submitters, no conflicts (2 of 4 stars). 4 submissions from 4 submitters: Uncertain significance (4). Last evaluated 2025-12-05.

Conditions:
Inborn genetic diseases. Identifiers: MedGen C0950123, MeSH D030342.
Charcot-Marie-Tooth disease axonal type 2V. Also called: CHARCOT-MARIE-TOOTH NEUROPATHY, TYPE 2V; CHARCOT-MARIE-TOOTH DISEASE, AXONAL, AUTOSOMAL DOMINANT, TYPE 2V. Identifiers: Orphanet 447964, MedGen C5569050, MONDO:0014665, OMIM 616491.
Mucopolysaccharidosis, MPS-III-B (MPS3B). Also called: N-ACETYL-ALPHA-D-GLUCOSAMINIDASE DEFICIENCY; NAGLU DEFICIENCY; SANFILIPPO SYNDROME B; MPS III B; MUCOPOLYSACCHARIDOSIS, TYPE IIIB; MPS IIIB (Sanfilippo Syndrome Type B). Identifiers: Orphanet 79270, MedGen C0086648, MONDO:0009656, OMIM 252920.

Allele frequency attached by ClinVar (database versions not stated): gnomAD 0.00001.
gnomAD v4.1: 2 of 1,612,798 alleles (0.00012%); highest among the groups gnomAD compares: Non-Finnish European, 0.00017%; no homozygotes.

Submissions (4):

Myriad Genetics, Inc.
Classification: Uncertain significance for Mucopolysaccharidosis, MPS-III-B. Last evaluated: 2025-12-05. Review status: criteria provided, single submitter. Criteria: Myriad Autosomal Dominant, Autosomal Recessive and X-Linked Classification Criteria (2023). Collection method: clinical testing. Allele origin: unknown.
Comment: NM_000263.3(NAGLU):c.1348C>G(Q450E) is a missense variant classified as a variant of uncertain significance in the context of mucopolysaccharidosis type IIIB. Q450E has been observed in a case with relevant disease (PMID: 34806811). Relevant functional assessments of this variant are not available in the literature. Q450E has not been observed in referenced population frequency databases. In summary, there is insufficient evidence to classify NM_000263.3(NAGLU):c.1348C>G(Q450E) as pathogenic or benign. Please note: this variant was assessed in the context of healthy population screening.

Women's Health and Genetics/Laboratory Corporation of America, LabCorp
Classification: Uncertain significance. Last evaluated: 2024-11-18. Review status: criteria provided, single submitter. Criteria: LabCorp Variant Classification Summary - May 2015. Collection method: clinical testing. Allele origin: germline.
Comment: Variant summary: NAGLU c.1348C>G (p.Gln450Glu) results in a conservative amino acid change located in the Alpha-N-acetylglucosaminidase (NAGLU) tim-barrel domain (IPR024733) of the encoded protein sequence. Four of five in-silico tools predict a damaging effect of the variant on protein function. The variant was absent in 248348 control chromosomes. The available data on variant occurrences in the general population are insufficient to allow any conclusion about variant significance. c.1348C>G has been reported in the literature in a compound heterozygous individual affected with Mucopolysaccharidosis Type IIIB (Sanfilippo Syndrome B) (Montenegro_2022). These report(s) do not provide unequivocal conclusions about association of the variant with Mucopolysaccharidosis Type IIIB (Sanfilippo Syndrome B). To our knowledge, no experimental evidence demonstrating an impact on protein function has been reported. The following publication have been ascertained in the context of this evaluation (PMID: 34806811). ClinVar contains an entry for this variant (Variation ID: 2157082). Based on the evidence outlined above, the variant was classified as uncertain significance.

Labcorp Genetics (formerly Invitae), Labcorp
Classification: Uncertain significance for Charcot-Marie-Tooth disease axonal type 2V; Mucopolysaccharidosis, MPS-III-B. Last evaluated: 2022-06-30. Review status: criteria provided, single submitter. Criteria: Invitae Variant Classification Sherloc (09022015). Collection method: clinical testing. Allele origin: germline.
Comment: This sequence change replaces glutamine, which is neutral and polar, with glutamic acid, which is acidic and polar, at codon 450 of the NAGLU protein (p.Gln450Glu). This variant is not present in population databases (gnomAD no frequency). This variant has not been reported in the literature in individuals affected with NAGLU-related conditions. Advanced modeling of protein sequence and biophysical properties (such as structural, functional, and spatial information, amino acid conservation, physicochemical variation, residue mobility, and thermodynamic stability) performed at Invitae indicates that this missense variant is expected to disrupt NAGLU protein function. In summary, the available evidence is currently insufficient to determine the role of this variant in disease. Therefore, it has been classified as a Variant of Uncertain Significance.

Ambry Genetics
Classification: Uncertain significance for Inborn genetic diseases. Last evaluated: 2021-06-29. Review status: criteria provided, single submitter. Criteria: Ambry Variant Classification Scheme 2023. Collection method: clinical testing. Allele origin: germline.

Literature cited by the submitters: PubMed 34806811 (cited by Myriad Genetics, Inc. and Women's Health and Genetics/Laboratory Corporation of America, LabCorp).